The following is an entry in ClinVar:

NM_032137.5(FAM194C):c.1320A>G (p.Pro440=)

Gene: FAM194C (family with sequence similarity 194 member C; plus strand). Cytogenetic location: 3p25.1.
Variant type: single nucleotide variant.
Coding change: c.1320A>G on transcript NM_032137.5 (MANE Select); coding-DNA position 1320, A replaced by G.
Protein change: p.Pro440=; no amino-acid change (proline 440 retained).
Molecular consequence: synonymous variant.
Genome position (GRCh38, 1-based): chr3:14,715,295, A>G. VCF-style: chr3-14715295-A-G. GRCh37 (hg19) VCF-style: chr3-14756802-A-G.
Other names: c.954A>G, p.Pro318= (NM_001184957.2, NM_001184958.2).
Identifiers: ClinVar variation 2653587 (VCV002653587.24), dbSNP rs139293529, ClinGen allele CA2270788.

ClinVar aggregate classification (germline): Likely benign (1 of 4 stars; one submission).

Allele frequency attached by ClinVar (database versions not stated): 1000 Genomes Project 30x 0.00047; 1000 Genomes Project 0.00060; ESP Exome Variant Server 0.00169; ExAC 0.00250; gnomAD exomes 0.00263.
gnomAD v4.1: 4,149 of 1,611,866 alleles (0.26%); highest among the groups gnomAD compares: Non-Finnish European, 0.28%; 11 homozygotes.

Submission:

CeGaT Center for Human Genetics Tuebingen
Classification: Likely benign. Last evaluated: 2022-09-01. Review status: criteria provided, single submitter. Criteria: CeGaT Center For Human Genetics Tuebingen Variant Classification Criteria Version 2. Collection method: clinical testing. Allele origin: germline. Affected: yes. Observed: 2 variant alleles.
Comment: C3orf20: BP4, BP7